The following is an entry in ClinVar:

ClinVar aggregate classification (germline): Likely benign (0 of 4 stars; one submission).

Conditions:
PFKL-related disorder. Also called: PFKL-related condition.

Allele frequency attached by ClinVar (database versions not stated): 1000 Genomes Project 30x 0.00016; 1000 Genomes Project 0.00020; TOPMed 0.00036; ESP Exome Variant Server 0.00038; gnomAD 0.00042; ExAC 0.00055.
gnomAD v4.1: 949 of 1,576,564 alleles (0.06%); highest among the groups gnomAD compares: Non-Finnish European, 0.073%; no homozygotes.

Submission:

PreventionGenetics, part of Exact Sciences
Classification: Likely benign for PFKL-related condition. Last evaluated: 2024-01-03. Review status: no assertion criteria provided. Collection method: clinical testing. Allele origin: germline.
Comment: This variant is classified as likely benign based on ACMG/AMP sequence variant interpretation guidelines (Richards et al. 2015 PMID: 25741868, with internal and published modifications).

NM_002626.6(PFKL):c.987T>G (p.Pro329=)

Gene: PFKL (phosphofructokinase, liver type; plus strand). Cytogenetic location: 21q22.3.
Variant type: single nucleotide variant.
Coding change: c.987T>G on transcript NM_002626.6 (MANE Select); coding-DNA position 987, T replaced by G.
Protein change: p.Pro329=; no amino-acid change (proline 329 retained).
Molecular consequence: synonymous variant.
Genome position (GRCh38, 1-based): chr21:44,318,520, T>G. VCF-style: chr21-44318520-T-G. GRCh37 (hg19) VCF-style: chr21-45738403-T-G.
Other names: c.1137T>G, p.Pro379= (NM_001002021.3).
Identifiers: ClinVar variation 3043307 (VCV003043307.2), dbSNP rs147090120, ClinGen allele CA10052800.